The following is an entry in ClinVar:

ClinVar aggregate classification (germline): Pathogenic (1 of 4 stars; one submission).

Submission:

Labcorp Genetics (formerly Invitae), Labcorp
Classification: Pathogenic. Last evaluated: 2022-09-13. Review status: criteria provided, single submitter. Criteria: Invitae Variant Classification Sherloc (09022015). Collection method: clinical testing. Allele origin: germline.
Comment: This sequence change creates a premature translational stop signal (p.Val557Phefs*13) in the LCA5 gene. While this is not anticipated to result in nonsense mediated decay, it is expected to disrupt the last 141 amino acid(s) of the LCA5 protein. This variant is not present in population databases (gnomAD no frequency). This variant has not been reported in the literature in individuals affected with LCA5-related conditions. This variant disrupts a region of the LCA5 protein in which other variant(s) (p.Lys586*) have been determined to be pathogenic (PMID: 23946133, 27624628). This suggests that this is a clinically significant region of the protein, and that variants that disrupt it are likely to be disease-causing. For these reasons, this variant has been classified as Pathogenic.

Literature cited by the submitters: PubMed 23946133; PubMed 27624628.

NM_001122769.3(LCA5):c.1669_1673del (p.Val557fs)

Gene: LCA5 (lebercilin LCA5; minus strand). Cytogenetic location: 6q14.1.
Variant type: Deletion.
Coding change: c.1669_1673del on transcript NM_001122769.3 (MANE Select); coding-DNA positions 1669 to 1673, 5 bases deleted (GTGCC; older notation c.1669_1673delGTGCC).
Protein change: p.Val557fs; shifts the reading frame from valine 557.
Molecular consequence: frameshift variant.
Genome position (GRCh38, 1-based): chr6:79,487,425-79,487,429, GGCAC deleted on the plus strand (GTGCC on the coding strand, the reverse complement: LCA5 is on the minus strand); deleting any 5 consecutive bases within chr6:79,487,425-79,487,430 gives the same sequence; the c. name uses the placement nearest the transcript's 3' end. VCF-style (leftmost placement, unchanged base first): chr6-79487424-AGGCAC-A. GRCh37 (hg19) VCF-style: chr6-80197141-AGGCAC-A.
Other names: c.1669_1673del, p.Val557fs (NM_181714.4); short protein forms V557fs.
Identifiers: ClinVar variation 2028370 (VCV002028370.4), dbSNP rs2533368810, ClinGen allele CA2580075896.